The following is an entry in ClinVar:

NM_000293.3(PHKB):c.2427+964dup

Gene: PHKB (phosphorylase kinase regulatory subunit beta; plus strand). Cytogenetic location: 16q12.1.
Variant type: Duplication.
Coding change: c.2427+964dup on transcript NM_000293.3 (MANE Select); 964 bases into the intron after coding-DNA position 2427, one base duplicated (C; older notation c.2427+964dupC).
Molecular consequence: intron variant.
Genome position (GRCh38, 1-based): chr16:47,665,939, C duplicated; the last of 5 consecutive C bases (chr16:47,665,935-47,665,939); duplicating any one gives the same sequence. VCF-style (leftmost placement, unchanged base first): chr16-47665934-G-GC. GRCh37 (hg19) VCF-style: chr16-47699845-G-GC.
Other names: c.2337-3dup (NM_001363837.1); c.2316-3dup (NM_001031835.3).
Identifiers: ClinVar variation 3052640 (VCV003052640.2), dbSNP rs762091938, ClinGen allele CA2740093312.

ClinVar aggregate classification (germline): Likely benign (0 of 4 stars; one submission).

Conditions:
PHKB-related disorder. Also called: PHKB-related condition.

Submission:

PreventionGenetics, part of Exact Sciences
Classification: Likely benign for PHKB-related condition. Last evaluated: 2022-04-26. Review status: no assertion criteria provided. Collection method: clinical testing. Allele origin: germline.
Comment: This variant is classified as likely benign based on ACMG/AMP sequence variant interpretation guidelines (Richards et al. 2015 PMID: 25741868, with internal and published modifications).